The following is an entry in ClinVar:

NM_006642.5(SDCCAG8):c.1992_2009dup (p.His669_Ser670insArgGlnLeuAspLysHis)

Genes: AKT3 (AKT serine/threonine kinase 3; minus strand), SDCCAG8 (SHH signaling and ciliogenesis regulator SDCCAG8; plus strand). Cytogenetic location: 1q43.
Variant type: Duplication.
Coding change: c.1992_2009dup on transcript NM_006642.5 (MANE Select); coding-DNA positions 1992 to 2009, 18 bases duplicated (GCAGCTGGATAAGCACAG).
Protein change: p.His669_Ser670insArgGlnLeuAspLysHis.
Molecular consequence: inframe insertion. On other transcripts: intron variant (1).
Genome position (GRCh38, 1-based): chr1:243,489,020-243,489,037, GCAGCTGGATAAGCACAG duplicated; duplicating any 18 consecutive bases within chr1:243,489,018-243,489,037 gives the same sequence; the c. name uses the placement nearest the transcript's 3' end. VCF-style (leftmost placement, unchanged base first): chr1-243489017-A-AAGGCAGCTGGATAAGCAC. GRCh37 (hg19) VCF-style: chr1-243652319-A-AAGGCAGCTGGATAAGCAC.
Other names: c.*7-585_*7-568dup (NM_181690.2); c.1089_1106dup, p.His368_Ser369insArgGlnLeuAspLysHis (NM_001350251.2, NM_001350246.2, NM_001350247.2); c.2088_2105dup, p.His701_Ser702insArgGlnLeuAspLysHis (NM_001350248.2); c.1698_1715dup, p.His571_Ser572insArgGlnLeuAspLysHis (NM_001350249.2).
Identifiers: ClinVar variation 1510905 (VCV001510905.10), dbSNP rs2148266803, ClinGen allele CA2573132968.

ClinVar aggregate classification (germline): Uncertain significance (1 of 4 stars; one submission).

Conditions:
Bardet-Biedl syndrome 16 (BBS16). Identifiers: Orphanet 110, MedGen C3889474, MONDO:0014444, OMIM 615993.
Senior-Loken syndrome 7 (SLSN7). Identifiers: Orphanet 3156, MedGen C3150877, MONDO:0013326, OMIM 613615.

Submission:

Labcorp Genetics (formerly Invitae), Labcorp
Classification: Uncertain significance for Bardet-Biedl syndrome 16; Senior-Loken syndrome 7. Last evaluated: 2021-06-05. Review status: criteria provided, single submitter. Criteria: Invitae Variant Classification Sherloc (09022015). Collection method: clinical testing. Allele origin: germline.
Comment: This variant, c.1992_2009dup, results in the insertion of 6 amino acid(s) to the SDCCAG8 protein (p.Arg664_His669dup), but otherwise preserves the integrity of the reading frame. This variant is not present in population databases (ExAC no frequency). This variant has not been reported in the literature in individuals with SDCCAG8-related conditions. Experimental studies and prediction algorithms are not available or were not evaluated, and the functional significance of this variant is currently unknown. In summary, the available evidence is currently insufficient to determine the role of this variant in disease. Therefore, it has been classified as a Variant of Uncertain Significance.